The following is an entry in ClinVar:

NM_017909.4(RMND1):c.632del (p.Val211fs)

Gene: RMND1 (required for meiotic nuclear division 1 homolog; minus strand). Cytogenetic location: 6q25.1.
Variant type: Deletion.
Coding change: c.632del on transcript NM_017909.4 (MANE Select); coding-DNA position 632, one base deleted (T; older notation c.632delT).
Protein change: p.Val211fs; shifts the reading frame from valine 211.
Molecular consequence: frameshift variant.
Genome position (GRCh38, 1-based): chr6:151,433,212, A deleted on the plus strand (T on the coding strand, the reverse complement: RMND1 is on the minus strand). VCF-style (leftmost placement, unchanged base first): chr6-151433211-CA-C. GRCh37 (hg19) VCF-style: chr6-151754346-CA-C.
Other names: c.122del, p.Val41fs (NM_001271937.2); short protein forms V41fs, V211fs.
Identifiers: ClinVar variation 3593242 (VCV003593242.2).

ClinVar aggregate classification (germline): Likely pathogenic. Review status: criteria provided, multiple submitters, no conflicts (2 of 4 stars). 2 submissions from 2 submitters: Likely pathogenic (2). Last evaluated 2025-01-09.

Conditions:
Combined oxidative phosphorylation defect type 11. Also called: ENCEPHALONEUROMYOPATHY, INFANTILE, DUE TO MITOCHONDRIAL TRANSLATION DEFECT; Combined oxidative phosphorylation deficiency 11. Identifiers: Orphanet 324535, MedGen C5190991, MONDO:0013969, OMIM 614922.

Submissions (2):

3billion
Classification: Likely pathogenic for Combined oxidative phosphorylation defect type 11. Last evaluated: 2025-01-09. Review status: criteria provided, single submitter. Criteria: ACMG Guidelines, 2015. Collection method: clinical testing. Allele origin: germline. Affected: yes.
Comment: The variant is observed at an extremely low frequency in the gnomAD v4.1.0 dataset (total allele frequency: <0.001%). Predicted Consequence/Location: Frameshift: predicted to result in a loss or disruption of normal protein function through nonsense-mediated decay (NMD) or protein truncation. Multiple pathogenic variants are reported downstream of the variant. Therefore, this variant is classified as Likely pathogenic according to the recommendation of ACMG/AMP guideline.

Fulgent Genetics
Classification: Likely pathogenic for Combined oxidative phosphorylation defect type 11. Last evaluated: 2024-01-22. Review status: criteria provided, single submitter. Criteria: ACMG Guidelines, 2015. Collection method: clinical testing. Allele origin: germline.